The following is an entry in ClinVar:

NM_001298.3(CNGA3):c.1641C>A (p.Phe547Leu)

Gene: CNGA3 (cyclic nucleotide gated channel subunit alpha 3; plus strand). Cytogenetic location: 2q11.2.
Variant type: single nucleotide variant.
Coding change: c.1641C>A on transcript NM_001298.3 (MANE Select); coding-DNA position 1641, C replaced by A.
Protein change: p.Phe547Leu; replaces phenylalanine 547 with leucine.
Molecular consequence: missense variant.
Genome position (GRCh38, 1-based): chr2:98,396,811, C>A. VCF-style: chr2-98396811-C-A. GRCh37 (hg19) VCF-style: chr2-99013274-C-A.
Other names: c.[1641C>A] (NM_001298.2); c.1587C>A, p.Phe529Leu (NM_001079878.2); short protein forms F547L, F529L.
Identifiers: ClinVar variation 9478 (VCV000009478.66), dbSNP rs104893617, ClinGen allele CA254823.

ClinVar aggregate classification (germline): Pathogenic/Likely pathogenic. Review status: criteria provided, multiple submitters, no conflicts (2 of 4 stars). 16 submissions from 15 submitters: Pathogenic (13); Likely pathogenic (1). 2 of the submissions do not count toward it. Last evaluated 2025-12-15.

Conditions:
CNGA3-related disorders.
CNGA3-related disorder. Also called: CNGA3-related condition.
Retinal dystrophy. Also called: Inherited retinal dystrophy. Identifiers: Orphanet 71862, MedGen C0854723, MeSH D058499, MONDO:0019118, HP:0000556.
Achromatopsia. Also called: Rod monochromatism. Identifiers: Orphanet 49382, MedGen C0152200, MONDO:0018852, HP:0011516.
Achromatopsia 2 (ACHM2). Also called: COLORBLINDNESS, TOTAL; ROD MONOCHROMACY 2; ROD MONOCHROMATISM 2. Identifiers: Orphanet 49382, MedGen C1857618, MONDO:0009003, OMIM 216900.
Complete achromatopsia. Also called: Monochromacy; Complete Achromatopsia (Rod Monochromatism, Total Color Blindness). Identifiers: MedGen C5201048, HP:0007803.

Allele frequency attached by ClinVar (database versions not stated): TOPMed 0.00004.
gnomAD v4.1: 153 of 1,614,026 alleles (0.0095%); highest among the groups gnomAD compares: South Asian, 0.056%; 1 homozygote.

Submissions (16):

PreventionGenetics, part of Exact Sciences
Classification: Pathogenic for CNGA3-related condition. Last evaluated: 2025-12-15. Review status: criteria provided, single submitter. Criteria: ACMG Guidelines, 2015. Collection method: clinical testing. Allele origin: germline.
Comment: The CNGA3 c.1641C>A variant is predicted to result in the amino acid substitution p.Phe547Leu. This variant has been reported in the homozygous and compound heterozygous states in many individuals with achromatopsia (see for examples: Wissinger et al. 2001. PubMed ID: 11536077; Table S2, Weisschuh et al. 2020. PubMed ID: 32531858; Table S1, Lin et al. 2024. PubMed ID: 38219857). In vitro patch-clamp studies using transformed HEK293 cells found that the presence of the p.Phe547Leu variant led to a complete loss of ion channel function (Muraki-Oda et al. 2007. PubMed ID: 17693388). This variant is present in 0.072% of alleles in individuals of South Asian descent in gnomAD. Taken together, this variant is interpreted as pathogenic.

Labcorp Genetics (formerly Invitae), Labcorp
Classification: Pathogenic. Last evaluated: 2025-11-27. Review status: criteria provided, single submitter. Criteria: Invitae Variant Classification Sherloc (09022015). Collection method: clinical testing. Allele origin: germline.
Comment: This sequence change replaces phenylalanine, which is neutral and non-polar, with leucine, which is neutral and non-polar, at codon 547 of the CNGA3 protein (p.Phe547Leu). This variant is present in population databases (rs104893617, gnomAD 0.07%). This missense change has been observed in individual(s) with achromatopsia (PMID: 9662398, 11536077, 14757870, 23972307, 30682209). In at least one individual the data is consistent with being in trans (on the opposite chromosome) from a pathogenic variant. ClinVar contains an entry for this variant (Variation ID: 9478). Invitae Evidence Modeling of protein sequence and biophysical properties (such as structural, functional, and spatial information, amino acid conservation, physicochemical variation, residue mobility, and thermodynamic stability) indicates that this missense variant is expected to disrupt CNGA3 protein function with a positive predictive value of 95%. Experimental studies have shown that this missense change affects CNGA3 function (PMID: 17693388). For these reasons, this variant has been classified as Pathogenic.

CeGaT Center for Human Genetics Tuebingen
Classification: Pathogenic. Last evaluated: 2025-08-01. Review status: criteria provided, single submitter. Criteria: CeGaT Center For Human Genetics Tuebingen Variant Classification Criteria Version 2. Collection method: clinical testing. Allele origin: germline. Affected: yes. Observed: 11 variant alleles.
Comment: CNGA3: PM3:Very Strong, PM1, PM2, PM5, PP3, PS3:Supporting

First Genomix Gene Laboratory, Genetic Diagnostics Department
Classification: Pathogenic for Achromatopsia 2. Last evaluated: 2025-04-30. Review status: criteria provided, single submitter. Criteria: ACMG Guidelines, 2015. Collection method: clinical testing. Allele origin: germline. Inheritance: Autosomal recessive inheritance. Affected: no. Observed: 1 variant allele.

3billion
Classification: Pathogenic for Achromatopsia 2. Last evaluated: 2024-11-25. Review status: criteria provided, single submitter. Criteria: ACMG Guidelines, 2015. Collection method: clinical testing. Allele origin: germline. Affected: yes.
Comment: The variant is observed at an extremely low frequency in the gnomAD v4.1.0 dataset (total allele frequency: 0.009%). Predicted Consequence/Location: Missense variant Functional studies provide strong evidence of the variant having a damaging effect on the gene or gene product (PMID: 18521937). In silico tool predictions suggest damaging effect of the variant on gene or gene product [REVEL: 0.93 (>=0.6, sensitivity 0.68 and specificity 0.92); 3Cnet: 0.93 (>=0.6, sensitivity 0.72 and precision 0.9)]. The same nucleotide change resulting in the same amino acid change has been previously reported as pathogenic/likely pathogenic with strong evidence (ClinVar ID: VCV000009478 /PMID: 9662398 /3billion dataset). The variant has been reported to be in trans with a pathogenic variant as either compound heterozygous or homozygous in at least 4 similarly affected unrelated individuals (PMID: 18521937). The variant has been reported to co-segregate with the disease in at least one similarly affected relative/individual in the same family or similarly affected unrelated family (PMID: 18521937). A different missense change at the same codon (p.Phe547Cys) has been reported to be associated with CNGA3-related disorder (ClinVar ID: VCV002734254 /PMID: 25616768). Therefore, this variant is classified as Pathogenic according to the recommendation of ACMG/AMP guideline.

Blueprint Genetics
Classification: Pathogenic for CNGA3-related disorders. Last evaluated: 2024-11-13. Review status: criteria provided, single submitter. Criteria: ACMG Guidelines, 2015. Collection method: clinical testing. Allele origin: germline. Affected: yes. Observed: 5 variant alleles.

Women's Health and Genetics/Laboratory Corporation of America, LabCorp
Classification: Pathogenic for Achromatopsia 2. Last evaluated: 2023-09-01. Review status: criteria provided, single submitter. Criteria: LabCorp Variant Classification Summary - May 2015. Collection method: clinical testing. Allele origin: germline.
Comment: Variant summary: CNGA3 c.1641C>A (p.Phe547Leu) results in a non-conservative amino acid change located in the cyclic nucleotide-binding domain (IPR000595) of the encoded protein sequence. Five of five in-silico tools predict a damaging effect of the variant on protein function. The variant allele was found at a frequency of 0.00015 in 251308 control chromosomes in the gnomAD database, including 1 homozygote. The available data on variant occurrences in the general population are insufficient to allow any conclusion about variant significance. c.1641C>A has been reported in the literature in numerous homozygous and compound heterozygous individuals affected with Achromatopsia 2 (e.g., Sun_2020). These data indicate that the variant is very likely to be associated with disease. The following publication was ascertained in the context of this evaluation (PMID: 32913385). Seven submitters have reported clinical-significance assessments for this variant to ClinVar after 2014. All submitters classified the variant as pathogenic. Based on the evidence outlined above, the variant was classified as pathogenic.

GeneDx
Classification: Pathogenic. Last evaluated: 2022-12-16. Review status: criteria provided, single submitter. Criteria: GeneDx Variant Classification Process June 2021. Collection method: clinical testing. Allele origin: germline. Affected: yes.
Comment: Published functional studies demonstrate loss of electrophysiological activity in the mutant channel compared to wild type (Matveev et al., 2010; Muraki-Oda et al., 2007); In silico analysis supports that this missense variant has a deleterious effect on protein structure/function; This variant is associated with the following publications: (PMID: 16961972, 31429209, 32531858, 23972307, 20088482, 9662398, 17693388, 18521937, 25168900, 27040408, 19592100, 11536077, 14757870, 24148654, 16319819, 30682209, 30653986, 31456290, 33562422, 31589614, 34426522, 34449556)

Institute of Human Genetics, Univ. Regensburg, Univ. Regensburg
Classification: Pathogenic for Retinal dystrophy. Last evaluated: 2022-01-01. Review status: criteria provided, single submitter. Criteria: ACMG Guidelines, 2015. Collection method: clinical testing. Allele origin: germline. Affected: yes.

Institute of Medical Genetics and Applied Genomics, University Hospital Tübingen
Classification: Pathogenic. Last evaluated: 2021-06-17. Review status: criteria provided, single submitter. Criteria: ACMG Guidelines, 2015. Collection method: clinical testing. Allele origin: germline. Inheritance: Autosomal recessive inheritance. Affected: yes.

Genetics and Genomic Medicine Centre, NeuroGen Healthcare, NeuroGen Healthcare
Classification: Pathogenic for Achromatopsia 2. Last evaluated: 2020-10-10. Review status: criteria provided, single submitter. Criteria: Submitter's publication. Collection method: clinical testing. Allele origin: unknown. Affected: no.

Centre for Mendelian Genomics, University Medical Centre Ljubljana
Classification: Pathogenic for Achromatopsia 2. Last evaluated: 2018-11-12. Review status: criteria provided, single submitter. Criteria: ACMG Guidelines, 2015. Collection method: clinical testing. Allele origin: unknown. Affected: yes.
Comment: This variant was classified as: Pathogenic. The following ACMG criteria were applied in classifying this variant: PS1,PM3,PP3,PP4. This variant was detected in homozygous state.

Centre for Mendelian Genomics, University Medical Centre Ljubljana
Classification: Likely pathogenic for Complete achromatopsia. Last evaluated: 2014-07-21. Review status: criteria provided, single submitter. Criteria: ACMG Guidelines, 2015. Collection method: clinical testing. Allele origin: unknown. Affected: yes.

Neuberg Centre For Genomic Medicine, NCGM
Classification: Pathogenic for Achromatopsia 2. Review status: criteria provided, single submitter. Criteria: ACMG Guidelines, 2015. Collection method: clinical testing. Allele origin: germline. Affected: yes.
Comment: The missense variant p.F547L in CNGA3 (NM_001298.3) has been reported previously in homozygous as well as compound heterozygous state in affected indviduals (Fahim AT et al; Georgiou M et al).It is known to affect protein function (Muraki-Oda S et al). It has been submitted to ClinVar as Pathogenic/Likely Pathogenic. It is present in 45 alleles in heterozygous state in the gnomad database (0.1%) as well as it has been observed in homozygous state in one individual. For these reasons, this variant has been classified as Pathogenic.

Sharon lab, Hadassah-Hebrew University Medical Center
Classification: Pathogenic for achromatopsia. Last evaluated: 2019-06-23. Review status: no assertion criteria provided. Collection method: research. Allele origin: inherited. Affected: yes. Not counted in ClinVar's aggregate classification.

OMIM
Classification: Pathogenic for ACHROMATOPSIA 2. Last evaluated: 2001-10-01. Review status: no assertion criteria provided. Collection method: literature only. Allele origin: germline. Not counted in ClinVar's aggregate classification.

Literature cited by the submitters: PubMed 9662398 (cited by 4 submitters); PubMed 11536077 (cited by Labcorp Genetics (formerly Invitae), Labcorp and OMIM); PubMed 14757870 (cited by Labcorp Genetics (formerly Invitae), Labcorp); PubMed 23972307 (cited by Labcorp Genetics (formerly Invitae), Labcorp and Institute of Human Genetics, Univ. Regensburg, Univ. Regensburg); PubMed 30682209 (cited by Labcorp Genetics (formerly Invitae), Labcorp and Institute of Human Genetics, Univ. Regensburg, Univ. Regensburg); PubMed 17693388 (cited by Labcorp Genetics (formerly Invitae), Labcorp and Institute of Human Genetics, Univ. Regensburg, Univ. Regensburg); PubMed 25616768 (cited by 3billion); PubMed 18521937 (cited by 3billion); PubMed 32913385 (cited by Women's Health and Genetics/Laboratory Corporation of America, LabCorp); PubMed 20088482 (cited by Institute of Human Genetics, Univ. Regensburg, Univ. Regensburg); PubMed 31589614 (cited by Institute of Human Genetics, Univ. Regensburg, Univ. Regensburg); PubMed 30653986 (cited by Institute of Human Genetics, Univ. Regensburg, Univ. Regensburg); PubMed 31964843 (cited by Institute of Human Genetics, Univ. Regensburg, Univ. Regensburg); PubMed 31429209 (cited by Institute of Human Genetics, Univ. Regensburg, Univ. Regensburg); PubMed 31456290 (cited by Institute of Human Genetics, Univ. Regensburg, Univ. Regensburg); PubMed 32531858 (cited by Institute of Human Genetics, Univ. Regensburg, Univ. Regensburg); PubMed 31816670 (cited by Institute of Human Genetics, Univ. Regensburg, Univ. Regensburg); PubMed 33562422 (cited by Institute of Human Genetics, Univ. Regensburg, Univ. Regensburg); PubMed 34426522 (cited by Institute of Human Genetics, Univ. Regensburg, Univ. Regensburg); PubMed 34449556 (cited by Institute of Human Genetics, Univ. Regensburg, Univ. Regensburg); PubMed 36460718 (cited by Institute of Human Genetics, Univ. Regensburg, Univ. Regensburg).